The following is an entry in ClinVar:

ClinVar aggregate classification (germline): Uncertain significance (1 of 4 stars; one submission).

Allele frequency attached by ClinVar (database versions not stated): gnomAD exomes below 0.00001 and 0.00001; TOPMed below 0.00001; gnomAD 0.00001.
gnomAD v4.1: 2 of 1,209,465 alleles (0.00017%); highest among the groups gnomAD compares: African/African-American, 0.0017%; no homozygotes.

Submission:

Labcorp Genetics (formerly Invitae), Labcorp
Classification: Uncertain significance. Last evaluated: 2022-07-20. Review status: criteria provided, single submitter. Criteria: Invitae Variant Classification Sherloc (09022015). Collection method: clinical testing. Allele origin: germline.
Comment: This variant has not been reported in the literature in individuals affected with CACNA1F-related conditions. In summary, the available evidence is currently insufficient to determine the role of this variant in disease. Therefore, it has been classified as a Variant of Uncertain Significance. Algorithms developed to predict the effect of sequence changes on RNA splicing suggest that this variant may disrupt the consensus splice site. Algorithms developed to predict the effect of missense changes on protein structure and function are either unavailable or do not agree on the potential impact of this missense change (SIFT: "Deleterious"; PolyPhen-2: "Possibly Damaging"; Align-GVGD: "Class C0"). ClinVar contains an entry for this variant (Variation ID: 1399294). The frequency data for this variant in the population databases is considered unreliable, as metrics indicate poor data quality at this position in the gnomAD database. This sequence change replaces arginine, which is basic and polar, with tryptophan, which is neutral and slightly polar, at codon 437 of the CACNA1F protein (p.Arg437Trp).

NM_001256789.3(CACNA1F):c.1276+33C>T

Gene: CACNA1F (calcium voltage-gated channel subunit alpha1 F; minus strand). Cytogenetic location: Xp11.23.
Variant type: single nucleotide variant.
Coding change: c.1276+33C>T on transcript NM_001256789.3 (MANE Select); 33 bases into the intron after coding-DNA position 1276, C replaced by T.
Molecular consequence: intron variant. On other transcripts: missense variant (2).
Genome position (GRCh38, 1-based): chrX:49,226,937, G>A on the plus strand (C>T on the coding strand, the complement: CACNA1F is on the minus strand). VCF-style: chrX-49226937-G-A. GRCh37 (hg19) VCF-style: chrX-49083399-G-A.
Other names: c.1114C>T, p.Arg372Trp (NM_001256790.3); c.1309C>T, p.Arg437Trp (NM_005183.4); short protein forms R437W, R372W.
Identifiers: ClinVar variation 1399294 (VCV001399294.8), dbSNP rs1557110142, ClinGen allele CA412918171.